The following is an entry in ClinVar:

ClinVar aggregate classification (germline): Uncertain significance (0 of 4 stars; one submission).

Allele frequency attached by ClinVar (database versions not stated): TOPMed 0.00001.

Submission:

Department of Pathology and Laboratory Medicine, Sinai Health System
Classification: Uncertain significance. Review status: no assertion criteria provided. Collection method: clinical testing. Allele origin: unknown. Affected: yes. Study: The Canadian Open Genetics Repository (COGR).
Comment: The FUT2 p.Asn308Ser variant was not identified in the literature nor was it identified in ClinVar. The variant was identified in dbSNP (ID: rs1406380167). The variant was not identified in the following control databases: the 1000 Genomes Project, the NHLBI GO Exome Sequencing Project, or the Genome Aggregation Database (March 6, 2019, v2.1.1).The p.Asn308 residue is conserved across mammals and other organisms, and four out of five computational analyses (PolyPhen-2, SIFT, AlignGVGD, BLOSUM, MutationTaster) suggest that the variant may impact the protein; however, this information is not predictive enough to assume pathogenicity. The variant occurs outside of the splicing consensus sequence and 2 of 4 in silico or computational prediction software programs (SpliceSiteFinder, MaxEntScan, NNSPLICE, GeneSplicer) predict a greater than 10% difference in splicing; this is not very predictive of pathogenicity. In summary, based on the above information the clinical significance of this variant cannot be determined with certainty at this time. This variant is classified as a variant of uncertain significance.

NM_000511.6(FUT2):c.923A>G (p.Asn308Ser)

Gene: FUT2 (fucosyltransferase 2; plus strand). Cytogenetic location: 19q13.33.
Variant type: single nucleotide variant.
Coding change: c.923A>G on transcript NM_000511.6 (MANE Select); coding-DNA position 923, A replaced by G.
Protein change: p.Asn308Ser; replaces asparagine 308 with serine.
Molecular consequence: missense variant.
Genome position (GRCh38, 1-based): chr19:48,703,879, A>G. VCF-style: chr19-48703879-A-G. GRCh37 (hg19) VCF-style: chr19-49207136-A-G.
Other names: c.923A>G, p.Asn308Ser (NM_001097638.3); short protein forms N308S.
Identifiers: ClinVar variation 1050189 (VCV001050189.1), dbSNP rs1406380167, ClinGen allele CA406713105.